The following is an entry in ClinVar:

NC_000023.10:g.(?_70338585)_(70362088_?)del

Gene: MED12 (mediator complex subunit 12; plus strand). Cytogenetic location: Xq13.1.
Variant type: Deletion.
Identifiers: ClinVar variation 1007633 (VCV001007633.2).

ClinVar aggregate classification (germline): Uncertain significance (1 of 4 stars; one submission).

Conditions:
FG syndrome 1 (OKS). Also called: OPITZ-KAVEGGIA SYNDROME; KELLER SYNDROME; FG Syndrome Type 1 (FGS1); MENTAL RETARDATION, LARGE HEAD, IMPERFORATE ANUS, CONGENITAL HYPOTONIA, AND PARTIAL AGENESIS OF CORPUS CALLOSUM. Identifiers: Orphanet 93932, MedGen C5399762, MONDO:0010590, OMIM 305450.

Submission:

Labcorp Genetics (formerly Invitae), Labcorp
Classification: Uncertain significance for FG syndrome. Last evaluated: 2020-02-01. Review status: criteria provided, single submitter. Criteria: Invitae Variant Classification Sherloc (09022015). Collection method: clinical testing. Allele origin: germline.
Comment: A gross deletion of the genomic region encompassing the full coding sequence of the MED12 gene has been identified. The boundaries of this event are unknown as the deletion extends beyond the assayed region for this gene and therefore may encompass additional genes. This variant has not been reported in the literature in individuals with MED12-related conditions. The current clinical and genetic evidence is not sufficient to establish whether loss-of-function variants in MED12 cause disease. In summary, the available evidence is currently insufficient to determine the role of this variant in disease. Therefore, it has been classified as a Variant of Uncertain Significance.